The following is an entry in ClinVar:

ClinVar aggregate classification (germline): Uncertain significance (1 of 4 stars; one submission).

Allele frequency attached by ClinVar (database versions not stated): gnomAD 0.00001.
gnomAD v4.1: 35 of 1,551,142 alleles (0.0023%); highest among the groups gnomAD compares: Non-Finnish European, 0.003%; no homozygotes.

Submission:

Labcorp Genetics (formerly Invitae), Labcorp
Classification: Uncertain significance. Last evaluated: 2021-09-24. Review status: criteria provided, single submitter. Criteria: Invitae Variant Classification Sherloc (09022015). Collection method: clinical testing. Allele origin: germline.
Comment: This sequence change replaces tryptophan with cysteine at codon 249 of the LOXHD1 protein (p.Trp249Cys). The tryptophan residue is weakly conserved and there is a large physicochemical difference between tryptophan and cysteine. This variant is not present in population databases (ExAC no frequency). This variant has not been reported in the literature in individuals affected with LOXHD1-related conditions. Algorithms developed to predict the effect of missense changes on protein structure and function are either unavailable or do not agree on the potential impact of this missense change (SIFT: "Deleterious"; PolyPhen-2: "Benign"; Align-GVGD: "Class C0"). In summary, the available evidence is currently insufficient to determine the role of this variant in disease. Therefore, it has been classified as a Variant of Uncertain Significance.

NM_001384474.1(LOXHD1):c.747G>C (p.Trp249Cys)

Gene: LOXHD1 (lipoxygenase homology PLAT domains 1; minus strand). Cytogenetic location: 18q21.1.
Variant type: single nucleotide variant.
Coding change: c.747G>C on transcript NM_001384474.1 (MANE Select); coding-DNA position 747, G replaced by C.
Protein change: p.Trp249Cys; replaces tryptophan 249 with cysteine.
Molecular consequence: missense variant.
Genome position (GRCh38, 1-based): chr18:46,610,788, C>G on the plus strand (G>C on the coding strand, the complement: LOXHD1 is on the minus strand). VCF-style: chr18-46610788-C-G. GRCh37 (hg19) VCF-style: chr18-44190751-C-G.
Other names: c.747G>C, p.Trp249Cys (NM_144612.7); short protein forms W249C.
Identifiers: ClinVar variation 1518773 (VCV001518773.5), dbSNP rs765436710, ClinGen allele CA402386728.
Genomic context (GRCh38, chr18:46,610,788, plus strand): 5'-GCCCCCCTTCCAAGGCCACAGGGACTGCAGAGAAGCAGCTGAACTCACCTGGGACAGGAA[C>G]CAACCTGCAGAGCCCCCCTTATTGTTGTGGCCAACATTGATCTTCATCAGCTGCCCCAAA-3'
Protein context (NP_001371403.1, residues 239-259): GHNNKGGSAG[Trp249Cys]FLSQIVIEDI